The following is an entry in ClinVar:

ClinVar aggregate classification (germline): Likely benign (1 of 4 stars; one submission).

Submission:

GeneDx
Classification: Likely benign. Last evaluated: 2017-12-05. Review status: criteria provided, single submitter. Criteria: GeneDx Variant Classification (06012015). Collection method: clinical testing. Allele origin: germline. Affected: yes.
Comment: This variant is considered likely benign or benign based on one or more of the following criteria: it is a conservative change, it occurs at a poorly conserved position in the protein, it is predicted to be benign by multiple in silico algorithms, and/or has population frequency not consistent with disease.

NM_133642.5(LARGE1):c.-82-16_-82-15del

Gene: LARGE1 (LARGE xylosyl- and glucuronyltransferase 1; minus strand). Cytogenetic location: 22q12.3.
Variant type: Deletion.
Coding change: c.-82-16_-82-15del on transcript NM_133642.5 (MANE Select); 16 bases into the intron before 82 bases upstream of the start codon through 15 bases into the intron before 82 bases upstream of the start codon, 2 bases deleted (TT; older notation c.-82-16_-82-15delTT).
Molecular consequence: intron variant.
Genome position (GRCh38, 1-based): chr22:33,761,573-33,761,574, AA deleted on the plus strand (TT on the coding strand, the reverse complement: LARGE1 is on the minus strand); deleting any 2 consecutive bases within chr22:33,761,573-33,761,575 gives the same sequence; the c. name uses the placement nearest the transcript's 3' end. VCF-style (leftmost placement, unchanged base first): chr22-33761572-CAA-C. GRCh37 (hg19) VCF-style: chr22-34157559-CAA-C.
Other names: c.-82-16_-82-15del (NM_001362953.2, NM_001362949.2, NM_001378627.1 and 7 more transcripts); c.-82-16_-82-15delTT (NM_004737.4).
Identifiers: ClinVar variation 513924 (VCV000513924.1), dbSNP rs1556032157, ClinGen allele CA658799542.